The following is an entry in ClinVar:

NM_020461.4(TUBGCP6):c.1825T>C (p.Cys609Arg)

Gene: TUBGCP6 (tubulin gamma complex component 6; minus strand). Cytogenetic location: 22q13.33.
Variant type: single nucleotide variant.
Coding change: c.1825T>C on transcript NM_020461.4 (MANE Select); coding-DNA position 1825, T replaced by C.
Protein change: p.Cys609Arg; replaces cysteine 609 with arginine.
Molecular consequence: missense variant.
Genome position (GRCh38, 1-based): chr22:50,226,058, A>G on the plus strand (T>C on the coding strand, the complement: TUBGCP6 is on the minus strand). VCF-style: chr22-50226058-A-G. GRCh37 (hg19) VCF-style: chr22-50664487-A-G.
Other names: short protein forms C609R.
Identifiers: ClinVar variation 955055 (VCV000955055.7), dbSNP rs149247581, ClinGen allele CA10308508.

ClinVar aggregate classification (germline): Uncertain significance. Review status: criteria provided, multiple submitters, no conflicts (2 of 4 stars). 2 submissions from 2 submitters: Uncertain significance (2). Last evaluated 2025-03-17.

Conditions:
Inborn genetic diseases. Identifiers: MedGen C0950123, MeSH D030342.

Allele frequency attached by ClinVar (database versions not stated): ExAC 0.00001; gnomAD exomes 0.00002 and 0.00005; gnomAD 0.00004; TOPMed 0.00004; ESP Exome Variant Server 0.00008.
gnomAD v4.1: 80 of 1,614,022 alleles (0.005%); highest among the groups gnomAD compares: Non-Finnish European, 0.0058%; no homozygotes.

Submissions (2):

Labcorp Genetics (formerly Invitae), Labcorp
Classification: Uncertain significance. Last evaluated: 2025-03-17. Review status: criteria provided, single submitter. Criteria: Invitae Variant Classification Sherloc (09022015). Collection method: clinical testing. Allele origin: germline.
Comment: This sequence change replaces cysteine, which is neutral and slightly polar, with arginine, which is basic and polar, at codon 609 of the TUBGCP6 protein (p.Cys609Arg). This variant is present in population databases (rs149247581, gnomAD 0.004%). This variant has not been reported in the literature in individuals affected with TUBGCP6-related conditions. ClinVar contains an entry for this variant (Variation ID: 955055). An algorithm developed to predict the effect of missense changes on protein structure and function (PolyPhen-2) suggests that this variant is likely to be disruptive. In summary, the available evidence is currently insufficient to determine the role of this variant in disease. Therefore, it has been classified as a Variant of Uncertain Significance.

Ambry Genetics
Classification: Uncertain significance for Inborn genetic diseases. Last evaluated: 2024-05-20. Review status: criteria provided, single submitter. Criteria: Ambry Variant Classification Scheme 2023. Collection method: clinical testing. Allele origin: germline.